The following is an entry in ClinVar:

NM_024675.4(PALB2):c.1775T>G (p.Phe592Cys)

Gene: PALB2 (partner and localizer of BRCA2; minus strand). Cytogenetic location: 16p12.2.
Variant type: single nucleotide variant.
Coding change: c.1775T>G on transcript NM_024675.4 (MANE Select); coding-DNA position 1775, T replaced by G.
Protein change: p.Phe592Cys; replaces phenylalanine 592 with cysteine.
Molecular consequence: missense variant.
Genome position (GRCh38, 1-based): chr16:23,630,379, A>C on the plus strand (T>G on the coding strand, the complement: PALB2 is on the minus strand). VCF-style: chr16-23630379-A-C. GRCh37 (hg19) VCF-style: chr16-23641700-A-C.
Other names: short protein forms F592C.
Identifiers: ClinVar variation 1378290 (VCV001378290.10), dbSNP rs2142389552, ClinGen allele CA395128165.

ClinVar aggregate classification (germline): Uncertain significance. Review status: criteria provided, multiple submitters, no conflicts (2 of 4 stars). 2 submissions from 2 submitters: Uncertain significance (2). Last evaluated 2024-08-26.

Conditions:
Hereditary cancer-predisposing syndrome. Also called: Neoplastic Syndromes, Hereditary; Hereditary Cancer Syndrome; Tumor predisposition; Hereditary neoplastic syndrome. Identifiers: Orphanet 140162, MedGen C0027672, MeSH D009386, MONDO:0015356.
Familial cancer of breast. Also called: Hereditary breast cancer; BREAST CANCER, FAMILIAL; hereditary breast carcinoma. Identifiers: Orphanet 227535, MedGen C0346153, MONDO:0016419, OMIM 114480. Disease mechanism: loss of function.

Submissions (2):

Ambry Genetics
Classification: Uncertain significance for Hereditary cancer-predisposing syndrome. Last evaluated: 2024-08-26. Review status: criteria provided, single submitter. Criteria: Ambry Variant Classification Scheme 2023. Collection method: clinical testing. Allele origin: germline.
Comment: The p.F592C variant (also known as c.1775T>G), located in coding exon 5 of the PALB2 gene, results from a T to G substitution at nucleotide position 1775. The phenylalanine at codon 592 is replaced by cysteine, an amino acid with highly dissimilar properties. This amino acid position is well conserved in available vertebrate species. In addition, this alteration is predicted to be tolerated by in silico analysis. Since supporting evidence is limited at this time, the clinical significance of this alteration remains unclear.

Labcorp Genetics (formerly Invitae), Labcorp
Classification: Uncertain significance for Familial cancer of breast. Last evaluated: 2021-08-28. Review status: criteria provided, single submitter. Criteria: Invitae Variant Classification Sherloc (09022015). Collection method: clinical testing. Allele origin: germline.
Comment: In summary, the available evidence is currently insufficient to determine the role of this variant in disease. Therefore, it has been classified as a Variant of Uncertain Significance. Algorithms developed to predict the effect of missense changes on protein structure and function are either unavailable or do not agree on the potential impact of this missense change (SIFT: "Tolerated"; PolyPhen-2: "Probably Damaging"; Align-GVGD: "Class C0"). This variant has not been reported in the literature in individuals affected with PALB2-related conditions. This variant is not present in population databases (ExAC no frequency). This sequence change replaces phenylalanine with cysteine at codon 592 of the PALB2 protein (p.Phe592Cys). The phenylalanine residue is moderately conserved and there is a large physicochemical difference between phenylalanine and cysteine.